The following is an entry in ClinVar:

NM_001042492.3(NF1):c.7213A>G (p.Ile2405Val)

Gene: NF1 (neurofibromin 1; plus strand). Cytogenetic location: 17q11.2.
Variant type: single nucleotide variant.
Coding change: c.7213A>G on transcript NM_001042492.3 (MANE Select); coding-DNA position 7213, A replaced by G.
Protein change: p.Ile2405Val; replaces isoleucine 2405 with valine.
Molecular consequence: missense variant.
Genome position (GRCh38, 1-based): chr17:31,349,143, A>G. VCF-style: chr17-31349143-A-G. GRCh37 (hg19) VCF-style: chr17-29676161-A-G.
Other names: c.7150A>G, p.Ile2384Val (NM_000267.4); short protein forms I2384V, I2405V.
Identifiers: ClinVar variation 186162 (VCV000186162.24), dbSNP rs565708398, ClinGen allele CA194028.

ClinVar aggregate classification (germline): Conflicting classifications of pathogenicity. Review status: criteria provided, conflicting classifications (1 of 4 stars). 11 submissions from 10 submitters: Uncertain significance (5); Benign (1); Likely benign (5). Last evaluated 2025-12-16.

Conditions:
Hereditary cancer-predisposing syndrome. Also called: Tumor predisposition; Neoplastic Syndromes, Hereditary; Hereditary neoplastic syndrome; Hereditary Cancer Syndrome. Identifiers: Orphanet 140162, MedGen C0027672, MeSH D009386, MONDO:0015356.
Cardiovascular phenotype. Identifiers: MedGen CN230736.
Neurofibromatosis, familial spinal (FSNF). Identifiers: Orphanet 636, MedGen C1834235, MONDO:0008078, OMIM 162210. Disease mechanism: loss of function.
Neurofibromatosis-Noonan syndrome (NFNS). Also called: NEUROFIBROMATOSIS WITH NOONAN PHENOTYPE. Identifiers: Orphanet 638, MedGen C2931482, MONDO:0011035, OMIM 601321. Disease mechanism: loss of function.
Neurofibromatosis, type 1 (NF1). Also called: NEUROFIBROMATOSIS, TYPE I, SOMATIC; Peripheral type neurofibromatosis; VON RECKLINGHAUSEN DISEASE; Neurofibromatosis, type I. Identifiers: Orphanet 636, MedGen C0027831, MONDO:0018975, OMIM 162200. Disease mechanism: loss of function.
Café-au-lait macules with pulmonary stenosis (WTSN). Also called: PULMONIC STENOSIS WITH CAFE-AU-LAIT SPOTS. Identifiers: MedGen C0553586, MONDO:0008672, OMIM 193520.
Juvenile myelomonocytic leukemia (JMML). Also called: LEUKEMIA, JUVENILE MYELOMONOCYTIC, SOMATIC. Identifiers: Orphanet 86834, MedGen C0349639, MONDO:0011908, OMIM 607785, HP:0012209.

Allele frequency attached by ClinVar (database versions not stated): gnomAD 0.00001; gnomAD exomes 0.00001 and 0.00003; TOPMed 0.00003; ExAC 0.00007; 1000 Genomes Project 30x 0.00016; 1000 Genomes Project 0.00020.
gnomAD v4.1: 19 of 1,605,186 alleles (0.0012%); highest among the groups gnomAD compares: Admixed American, 0.019%; no homozygotes.

Submissions (11):

Labcorp Genetics (formerly Invitae), Labcorp
Classification: Benign for Neurofibromatosis, type 1. Last evaluated: 2025-12-16. Review status: criteria provided, single submitter. Criteria: Invitae Variant Classification Sherloc (09022015). Collection method: clinical testing. Allele origin: germline.

ARUP Laboratories, Molecular Genetics and Genomics, ARUP Laboratories
Classification: Likely benign. Last evaluated: 2023-03-27. Review status: criteria provided, single submitter. Criteria: ARUP Molecular Germline Variant Investigation Process 2024. Collection method: clinical testing. Allele origin: germline.

Ambry Genetics
Classification: Likely benign for Cardiovascular phenotype; Hereditary cancer-predisposing syndrome. Last evaluated: 2023-03-02. Review status: criteria provided, single submitter. Criteria: Ambry Variant Classification Scheme 2023. Collection method: clinical testing. Allele origin: germline.

Blueprint Genetics
Classification: Likely benign. Last evaluated: 2022-11-15. Review status: criteria provided, single submitter. Criteria: ACMG Guidelines, 2015. Collection method: clinical testing. Allele origin: germline.

Genetic Services Laboratory, University of Chicago
Classification: Uncertain significance. Last evaluated: 2021-10-20. Review status: criteria provided, single submitter. Criteria: ACMG Guidelines, 2015. Collection method: clinical testing. Allele origin: germline. Affected: no.
Comment: DNA sequence analysis of the NF1 gene demonstrated a sequence change, c.7150A>G, in exon 48 that results in an amino acid change, p.Ile2384Val. This sequence change has been described in the gnomAD database with a frequency of 0.012% in the Latino/Admixed American subpopulation (dbSNP rs565708398).The p.Ile2384Val change affects a poorly conserved amino acid residue located in a domain of the NF1 protein that is known to be functional. The p.Ile2384Val substitution appears to be benign using several in-silico pathogenicity prediction tools (SIFT, PolyPhen2, Align GVGD, REVEL). This sequences change does not appear to have been previously described in individuals with NF1-related disorders. Due to insufficient evidences and the lack of functional studies, the clinical significance of the p.Ile2384Val change remains unknown at this time.

GeneDx
Classification: Likely benign. Last evaluated: 2021-03-23. Review status: criteria provided, single submitter. Criteria: GeneDx Variant Classification Process June 2021. Collection method: clinical testing. Allele origin: germline. Affected: yes.
Comment: In silico analysis supports that this missense variant does not alter protein structure/function; Has not been previously published as pathogenic or benign to our knowledge

Sema4
Classification: Likely benign for Hereditary cancer-predisposing syndrome. Last evaluated: 2021-02-05. Review status: criteria provided, single submitter. Criteria: Sema4 Curation Guidelines. Collection method: curation. Allele origin: germline.

Revvity Omics, Revvity
Classification: Uncertain significance. Last evaluated: 2019-10-29. Review status: criteria provided, single submitter. Criteria: ACMG Guidelines, 2015. Collection method: clinical testing. Allele origin: germline.

Mendelics
Classification: Uncertain significance for Neurofibromatosis, type 1. Last evaluated: 2018-07-02. Review status: criteria provided, single submitter. Criteria: Mendelics Assertion Criteria 2017. Collection method: clinical testing. Allele origin: unknown.

Fulgent Genetics
Classification: Uncertain significance for Neurofibromatosis, type 1; Neurofibromatosis, familial spinal; Café-au-lait macules with pulmonary stenosis; Neurofibromatosis-Noonan syndrome; Juvenile myelomonocytic leukemia. Last evaluated: 2017-05-23. Review status: criteria provided, single submitter. Criteria: ACMG Guidelines, 2015. Collection method: clinical testing. Allele origin: unknown.

Ambry Genetics
Classification: Uncertain significance for Hereditary cancer-predisposing syndrome. Last evaluated: 2015-07-08. Review status: criteria provided, single submitter. Criteria: Ambry Autosomal Dominant and X-Linked criteria (10/2015). Collection method: clinical testing. Allele origin: germline. Observed: 1 variant allele.
Comment: The p.I2405V variant (also known as c.7213A>G), located in coding exon 49 of the NF1 gene, results from an A to G substitution at nucleotide position 7213. The isoleucine at codon 2405 is replaced by valine, an amino acid with highly similar properties. This variant was not reported in population based cohorts in the following databases: Database of Single Nucleotide Polymorphisms (dbSNP), NHLBI Exome Sequencing Project (ESP), and 1000 Genomes Project. In the ESP, this variant was not observed in 6501 samples (13002 alleles) with coverage at this position.<span style="background-color:initial">To date, this alteration has been detected with an allele frequency of approximately 0.004% (greater than 55000 alleles tested) in our clinical cohort.<span style="background-color:initial"><span style="background-color:initial">This amino acid position is not well conserved in available vertebrate species. In addition, this alteration is predicted to be tolerated by in silico analysis. <span style="background-color:initial">Since supporting evidence is limited at this time, the clinical significance of<span style="background-color:initial">p.I2405V<span style="background-color:initial">remains unclear.